The following is an entry in ClinVar:

NM_000719.7(CACNA1C):c.2460+6G>A

Gene: CACNA1C (calcium voltage-gated channel subunit alpha1 C; plus strand). Cytogenetic location: 12p13.33.
Variant type: single nucleotide variant.
Coding change: c.2460+6G>A on transcript NM_000719.7 (MANE Select); 6 bases into the intron after coding-DNA position 2460, G replaced by A.
Molecular consequence: intron variant.
Genome position (GRCh38, 1-based): chr12:2,585,502, G>A. VCF-style: chr12-2585502-G-A. GRCh37 (hg19) VCF-style: chr12-2694668-G-A.
Other names: p.?; c.2460+6G>A (NM_001167624.3, NM_001167623.2, NM_001167625.2 and 18 more transcripts); c.2451+6G>A (NM_001129844.2).
Identifiers: ClinVar variation 456955 (VCV000456955.34), dbSNP rs369246066, ClinGen allele CA6388970.

ClinVar aggregate classification (germline): Conflicting classifications of pathogenicity. Review status: criteria provided, conflicting classifications (1 of 4 stars). 11 submissions from 11 submitters: Uncertain significance (4); Benign (2); Likely benign (1). 4 of the submissions do not count toward it. Last evaluated 2025-09-25.

Conditions:
CACNA1C-related disorder. Also called: CACNA1C-related disorders; CACNA1C-related condition. Identifiers: MedGen CN381092, MONDO:0700321.
Long QT syndrome 8. Identifiers: MedGen CN260585, MONDO:0032756, OMIM 618447.
Long QT syndrome (LQTS). Identifiers: MedGen C0023976, MeSH D008133, MONDO:0002442. Disease mechanism: loss of function. Inheritance: Various modes of inheritance.

Allele frequency attached by ClinVar (database versions not stated): ESP Exome Variant Server 0.00032; gnomAD exomes 0.00047 and 0.00022; TOPMed 0.00024; ExAC 0.00019; gnomAD 0.00029.
gnomAD v4.1: 696 of 1,552,772 alleles (0.045%); highest among the groups gnomAD compares: Non-Finnish European, 0.058%; no homozygotes.

Submissions (11):

Women's Health and Genetics/Laboratory Corporation of America, LabCorp
Classification: Benign. Last evaluated: 2025-09-25. Review status: criteria provided, single submitter. Criteria: LabCorp Variant Classification Summary - May 2015. Collection method: clinical testing. Allele origin: germline.
Comment: Variant summary: CACNA1C c.2460+6G>A alters a nucleotide located close to a canonical splice site and therefore could affect mRNA splicing, leading to a significantly altered protein sequence. Consensus agreement among computation tools predict no significant impact on normal splicing. However, these predictions have yet to be confirmed by functional studies. The variant allele was found at a frequency of 0.00022 in 160514 control chromosomes. The observed variant frequency exceeds the estimated maximal expected allele frequency for disease-causing variants in CACNA1C. c.2460+6G>A has been observed in a case of sudden infant death with no suspicious history or findings at autopsy (Liebrechts-Akkerman_2020). This report does not provide unequivocal conclusions about association of the variant with Arrhythmia or other CACNA1C-related disorders. To our knowledge, no experimental evidence demonstrating an impact on protein function has been reported. The following publication has been ascertained in the context of this evaluation (PMID: 32145446). ClinVar contains an entry for this variant (Variation ID: 456955). Based on the evidence outlined above, the variant was classified as benign.

Mayo Clinic Laboratories, Mayo Clinic
Classification: Uncertain significance. Last evaluated: 2025-04-11. Review status: criteria provided, single submitter. Criteria: ACMG Guidelines, 2015. Collection method: clinical testing. Allele origin: germline. Observed: 2 variant alleles.

Labcorp Genetics (formerly Invitae), Labcorp
Classification: Uncertain significance for Long QT syndrome. Last evaluated: 2025-02-02. Review status: criteria provided, single submitter. Criteria: Invitae Variant Classification Sherloc (09022015). Collection method: clinical testing. Allele origin: germline.
Comment: This sequence change falls in intron 17 of the CACNA1C gene. It does not directly change the encoded amino acid sequence of the CACNA1C protein. It affects a nucleotide within the consensus splice site. This variant is present in population databases (rs369246066, gnomAD 0.05%), and has an allele count higher than expected for a pathogenic variant. This variant has not been reported in the literature in individuals affected with CACNA1C-related conditions. ClinVar contains an entry for this variant (Variation ID: 456955). Variants that disrupt the consensus splice site are a relatively common cause of aberrant splicing (PMID: 17576681, 9536098). Algorithms developed to predict the effect of sequence changes on RNA splicing suggest that this variant is not likely to affect RNA splicing. In summary, the available evidence is currently insufficient to determine the role of this variant in disease. Therefore, it has been classified as a Variant of Uncertain Significance.

ARUP Laboratories, Molecular Genetics and Genomics, ARUP Laboratories
Classification: Uncertain significance. Last evaluated: 2025-01-17. Review status: criteria provided, single submitter. Criteria: ARUP Molecular Germline Variant Investigation Process 2024. Collection method: clinical testing. Allele origin: germline.
Comment: The CACNA1C c.2460+6G>A variant (rs369246066) is reported in the literature in a sudden infant death cohort, but without clear disease association (Liebrechts-Akkerman 2020). This variant is also reported in ClinVar (Variation ID: 456955), and is found in the general population with an overall allele frequency of 0.020% (39/191908 alleles) in the Genome Aggregation Database. This is an intronic variant and computational analyses (Alamut Visual Plus v.1.5.1) predict that this variant does not alter splicing. However, since this variant is located within the minimal splice region, the clinical significance of this variant is uncertain at this time. References: Liebrechts-Akkerman G et al. Explaining sudden infant death with cardiac arrhythmias: Complete exon sequencing of nine cardiac arrhythmia genes in Dutch SIDS cases highlights new and known DNA variants. Forensic Sci Int Genet. 2020 May;46:102266. PMID: 32145446.

Blueprint Genetics
Classification: Likely benign. Last evaluated: 2024-09-12. Review status: criteria provided, single submitter. Criteria: ACMG Guidelines, 2015. Collection method: clinical testing. Allele origin: germline.

Victorian Clinical Genetics Services, Murdoch Childrens Research Institute
Classification: Uncertain significance for Long QT syndrome 8. Last evaluated: 2022-03-31. Review status: criteria provided, single submitter. Criteria: ACMG Guidelines, 2015. Collection method: clinical testing. Allele origin: germline. Inheritance: Autosomal dominant inheritance. Affected: yes.
Comment: Based on the classification scheme VCGS_Germline_v1.3.4, this variant is classified as VUS-3C. Following criteria are met: 0101 - Gain of function is a known mechanism of disease in this gene and is associated with long QT syndrome 8 (MIM #618447), and Timothy syndrome (MIM#601005). Missense variants result in loss of channel inactivation and increased current (OMIM, PMID: 25260352). (I) 0107 - This gene is associated with autosomal dominant disease. (I) 0212 - Non-canonical splice site variant without proven consequence on splicing (no functional evidence available). (SP) 0251 - This variant is heterozygous. (I) 0302 - Variant is present in gnomAD (v3) <0.001 for a dominant condition (44 heterozygotes, 0 homozygotes). (SP) 0506 - Abnormal splicing is not predicted and nucleotide is poorly conserved. (SB) 0705 - No comparable splice variants have previous evidence for pathogenicity. (I) 0808 - Previous reports of pathogenicity for this variant are conflicting. This variant has been reported as likely benign, benign and as a VUS (LOVD, ClinVar). It was also observed in a SIDS cohort (PMID: 32145446). (I) 0905 - No published segregation evidence has been identified for this variant. (I) 1007 - No published functional evidence has been identified for this variant. (I) 1208 - Inheritance information for this variant is not currently available in this individual. (I) Legend: (SP) - Supporting pathogenic, (I) - Information, (SB) - Supporting benign

GeneDx
Classification: Benign. Last evaluated: 2015-03-03. Review status: criteria provided, single submitter. Criteria: GeneDx Variant Classification Process June 2021. Collection method: clinical testing. Allele origin: germline. Affected: yes.

PreventionGenetics, part of Exact Sciences
Classification: Likely benign for CACNA1C-related condition. Last evaluated: 2023-12-05. Review status: no assertion criteria provided. Collection method: clinical testing. Allele origin: germline. Not counted in ClinVar's aggregate classification.
Comment: This variant is classified as likely benign based on ACMG/AMP sequence variant interpretation guidelines (Richards et al. 2015 PMID: 25741868, with internal and published modifications).

Clinical Genetics, Academic Medical Center
Classification: Benign. Review status: no assertion criteria provided. Collection method: clinical testing. Allele origin: germline. Affected: yes. Study: VKGL Data-share Consensus. Not counted in ClinVar's aggregate classification.

Genome Diagnostics Laboratory, University Medical Center Utrecht
Classification: Benign. Review status: no assertion criteria provided. Collection method: clinical testing. Allele origin: germline. Affected: yes. Study: VKGL Data-share Consensus. Not counted in ClinVar's aggregate classification.

Joint Genome Diagnostic Labs from Nijmegen and Maastricht, Radboudumc and MUMC+
Classification: Likely benign. Review status: no assertion criteria provided. Collection method: clinical testing. Allele origin: germline. Affected: yes. Study: VKGL Data-share Consensus. Not counted in ClinVar's aggregate classification.

Literature cited by the submitters: PubMed 32145446 (cited by 3 submitters); PubMed 17576681 (cited by Labcorp Genetics (formerly Invitae), Labcorp); PubMed 9536098 (cited by Labcorp Genetics (formerly Invitae), Labcorp); PubMed 25260352 (cited by Victorian Clinical Genetics Services, Murdoch Childrens Research Institute).